The following is an entry in ClinVar:

NM_005257.6(GATA6):c.131C>T (p.Ser44Phe)

Gene: GATA6 (GATA binding protein 6; plus strand). Cytogenetic location: 18q11.2.
Variant type: single nucleotide variant.
Coding change: c.131C>T on transcript NM_005257.6 (MANE Select); coding-DNA position 131, C replaced by T.
Protein change: p.Ser44Phe; replaces serine 44 with phenylalanine.
Molecular consequence: missense variant.
Genome position (GRCh38, 1-based): chr18:22,171,275, C>T. VCF-style: chr18-22171275-C-T. GRCh37 (hg19) VCF-style: chr18-19751236-C-T.
Other names: short protein forms S44F.
Identifiers: ClinVar variation 3669733 (VCV003669733.2).

ClinVar aggregate classification (germline): Uncertain significance (1 of 4 stars; one submission).

Conditions:
Atrioventricular septal defect 5 (AVSD5). Identifiers: MedGen C3280939, MONDO:0013769, OMIM 614474.

gnomAD v4.1: 8 of 1,595,460 alleles (0.0005%); highest among the groups gnomAD compares: Non-Finnish European, 0.00059%; no homozygotes.

Submission:

Labcorp Genetics (formerly Invitae), Labcorp
Classification: Uncertain significance for Atrioventricular septal defect 5. Last evaluated: 2025-06-09. Review status: criteria provided, single submitter. Criteria: Invitae Variant Classification Sherloc (09022015). Collection method: clinical testing. Allele origin: germline.
Comment: This sequence change replaces serine, which is neutral and polar, with phenylalanine, which is neutral and non-polar, at codon 44 of the GATA6 protein (p.Ser44Phe). This variant is present in population databases (no rsID available, gnomAD 0.001%). This variant has not been reported in the literature in individuals affected with GATA6-related conditions. ClinVar contains an entry for this variant (Variation ID: 3669733). An algorithm developed to predict the effect of missense changes on protein structure and function (PolyPhen-2) suggests that this variant is likely to be disruptive. In summary, the available evidence is currently insufficient to determine the role of this variant in disease. Therefore, it has been classified as a Variant of Uncertain Significance.